The following is an entry in ClinVar:

NM_001080432.3(FTO):c.*2210A>G

Gene: FTO (FTO alpha-ketoglutarate dependent dioxygenase; plus strand). Cytogenetic location: 16q12.2.
Variant type: single nucleotide variant.
Coding change: c.*2210A>G on transcript NM_001080432.3 (MANE Select); 2210 bases downstream of the stop codon, A replaced by G.
Molecular consequence: 3 prime UTR variant.
Genome position (GRCh38, 1-based): chr16:54,114,125, A>G. VCF-style: chr16-54114125-A-G. GRCh37 (hg19) VCF-style: chr16-54148037-A-G.
Other names: c.*2210A>G (NM_001363891.2, NM_001363894.2, NM_001363896.2 and 6 more transcripts); c.*2328A>G (NM_001363903.2); c.*2386A>G (NM_001363988.2).
Identifiers: ClinVar variation 319730 (VCV000319730.5), dbSNP rs117637522, ClinGen allele CA10648583.

ClinVar aggregate classification (germline): Benign (1 of 4 stars; one submission).

Conditions:
Lethal polymalformative syndrome, Boissel type. Also called: GROWTH RETARDATION, DEVELOPMENTAL DELAY, AND FACIAL DYSMORPHISM. Identifiers: Orphanet 210144, MedGen C2752001, MONDO:0013050, OMIM 612938.

Allele frequency attached by ClinVar (database versions not stated): gnomAD 0.00095 and 0.00130; TOPMed 0.00120; 1000 Genomes Project 30x 0.00687; 1000 Genomes Project 0.00699.

Submission:

Illumina Laboratory Services, Illumina
Classification: Benign for Lethal polymalformative syndrome, Boissel type. Last evaluated: 2018-01-12. Review status: criteria provided, single submitter. Criteria: ICSL Variant Classification Criteria 13 December 2019. Collection method: clinical testing. Allele origin: germline.
Comment: This variant was observed in the ICSL laboratory as part of a predisposition screen in an ostensibly healthy population. It had not been previously curated by ICSL or reported in the Human Gene Mutation Database (HGMD: prior to June 1st, 2018), and was therefore a candidate for classification through an automated scoring system. Utilizing variant allele frequency, disease prevalence and penetrance estimates, and inheritance mode, an automated score was calculated to assess if this variant is too frequent to cause the disease. Based on the score and internal cut-off values, a variant classified as benign is not then subjected to further curation. The score for this variant resulted in a classification of benign for this disease.